The following is an entry in ClinVar:

ClinVar aggregate classification (germline): Benign. Review status: reviewed by expert panel (3 of 4 stars). 14 submissions from 14 submitters: Benign (1). 13 of the submissions do not count toward it. Last evaluated 2026-05-26.

Conditions:
ABCA4-related retinopathy. Also called: ABCA4-related retinoapthy; ABCA4 retinoapthy. Identifiers: MedGen CN322612, MONDO:0800406.
ABCA4-related disorder. Also called: ABCA4-related condition; ABCA4-related disorders. Identifiers: MedGen CN239167.
Retinal dystrophy. Also called: Inherited retinal dystrophy. Identifiers: Orphanet 71862, MedGen C0854723, MeSH D058499, MONDO:0019118, HP:0000556.
Cone-rod dystrophy 3 (CORD3). Identifiers: Orphanet 1872, MedGen C1858806, MONDO:0011395, OMIM 604116.
Age related macular degeneration 2. Also called: MACULAR DEGENERATION, SENILE; MACULOPATHY, AGE-RELATED, 2; MACULOPATHY, AGE-RELATED. Identifiers: MedGen C3495438, MONDO:0007932, OMIM 153800.
Retinitis pigmentosa 19 (RP19). Also called: ABCA4-Related Retinitis Pigmentosa. Identifiers: Orphanet 791, MedGen C1866422, MONDO:0011137, OMIM 601718.
Severe early-childhood-onset retinal dystrophy (STGD1). Also called: MACULAR DYSTROPHY WITH FLECKS, TYPE 1; STGD; Stargardt disease 1; Stargardt macular dystrophy; Juvenile onset macular degeneration. Identifiers: Orphanet 364055, Orphanet 827, MedGen C1855465, MeSH D000080362, MONDO:0009549, OMIM 248200.

Allele frequency attached by ClinVar (database versions not stated): gnomAD exomes 0.07149 and 0.05013; ExAC 0.08023; 1000 Genomes Project 30x 0.18161; gnomAD 0.16626 and 0.17582; 1000 Genomes Project 0.17692; TOPMed 0.18617; ESP Exome Variant Server 0.19260.
gnomAD v4.1: 99,875 of 1,613,784 alleles (6.2%); highest among the groups gnomAD compares: African/African-American, 49%; 10,691 homozygotes.

Submissions (14):

ClinGen ABCA4 Variant Curation Expert Panel, Clingen
Classification: Benign for ABCA4-related retinopathy. Last evaluated: 2026-05-26. Review status: reviewed by expert panel. Criteria: ClinGen ABCA4 ACMG Specifications V1.0.0. Collection method: curation. Allele origin: germline. Inheritance: Autosomal recessive inheritance.
Comment: The NM_000350.3(ABCA4):c.6764G>T variant in ABCA4 is a missense variant predicted to cause substitution of serine by isoleucine at amino acid 2255 (p.Ser2255Ile). The GroupMax filtering allele frequency in gnomAD v4.1.0 is 0.4845, which is greater than the ClinGen ABCA4 VCEP’s threshold for BA1 (>0.163). The computational predictor REVEL gives a score of 0.2 which is in the range of 0.184-0.290, and the variant has a SpliceAI donor gain score of 0.01, which is below the 0.1 cutoff meeting BP4. In summary, this variant meets the criteria to be classified as benign for ABCA4-related retinopathy based on the ACMG/AMP criteria applied, as specified by the ClinGen ABCA4 VCEP (Specification Version 1.0.0): BA1, BP4.

Women's Health and Genetics/Laboratory Corporation of America, LabCorp
Classification: Likely benign. Last evaluated: 2026-06-26. Review status: criteria provided, single submitter. Criteria: LabCorp Variant Classification Summary - May 2015. Collection method: clinical testing. Allele origin: germline. Not counted in ClinVar's aggregate classification.

Labcorp Genetics (formerly Invitae), Labcorp
Classification: Benign. Last evaluated: 2026-02-03. Review status: criteria provided, single submitter. Criteria: Invitae Variant Classification Sherloc (09022015). Collection method: clinical testing. Allele origin: germline. Not counted in ClinVar's aggregate classification.

Blueprint Genetics
Classification: Likely benign. Last evaluated: 2024-11-26. Review status: criteria provided, single submitter. Criteria: ACMG Guidelines, 2015. Collection method: clinical testing. Allele origin: germline. Not counted in ClinVar's aggregate classification.

ARUP Laboratories, Molecular Genetics and Genomics, ARUP Laboratories
Classification: Benign. Last evaluated: 2023-11-28. Review status: criteria provided, single submitter. Criteria: ARUP Molecular Germline Variant Investigation Process 2024. Collection method: clinical testing. Allele origin: germline. Not counted in ClinVar's aggregate classification.

Dept Of Ophthalmology, Nagoya University
Classification: Benign for Retinal dystrophy. Last evaluated: 2023-10-01. Review status: criteria provided, single submitter. Criteria: Submitter's publication. Collection method: research. Allele origin: germline. Affected: yes. Not counted in ClinVar's aggregate classification.

Fulgent Genetics
Classification: Benign for Age related macular degeneration 2; Severe early-childhood-onset retinal dystrophy; Retinitis pigmentosa 19; Cone-rod dystrophy 3. Last evaluated: 2021-07-15. Review status: criteria provided, single submitter. Criteria: ACMG Guidelines, 2015. Collection method: clinical testing. Allele origin: unknown. Not counted in ClinVar's aggregate classification.

Illumina Laboratory Services, Illumina
Classification: Benign for ABCA4-Related Disorders. Last evaluated: 2017-04-27. Review status: criteria provided, single submitter. Criteria: ICSL Variant Classification Criteria 13 December 2019. Collection method: clinical testing. Allele origin: germline. Not counted in ClinVar's aggregate classification.
Comment: This variant was observed as part of a predisposition screen in an ostensibly healthy population. A literature search was performed for the gene, cDNA change, and amino acid change (where applicable). No publications were found based on this search. Allele frequency data from public databases was too high to be consistent with this variant causing disease. Therefore, this variant is classified as benign.

Eurofins Ntd Llc (ga)
Classification: Benign. Last evaluated: 2014-08-25. Review status: criteria provided, single submitter. Criteria: EGL Classification Definitions 2015. Collection method: clinical testing. Allele origin: germline. Observed: 1 variant allele, 1 heterozygote. Not counted in ClinVar's aggregate classification.

GeneDx
Classification: Benign. Last evaluated: 2011-07-13. Review status: criteria provided, single submitter. Criteria: GeneDx Variant Classification (06012015). Collection method: clinical testing. Allele origin: germline. Affected: yes. Not counted in ClinVar's aggregate classification.
Comment: This variant is considered likely benign or benign based on one or more of the following criteria: it is a conservative change, it occurs at a poorly conserved position in the protein, it is predicted to be benign by multiple in silico algorithms, and/or has population frequency not consistent with disease.

Breakthrough Genomics
Classification: Benign. Review status: criteria provided, single submitter. Criteria: ACMG Guidelines, 2015. Collection method: not provided. Allele origin: germline. Inheritance: Autosomal recessive inheritance. Affected: yes. Not counted in ClinVar's aggregate classification.

PreventionGenetics, part of Exact Sciences
Classification: Benign. Review status: criteria provided, single submitter. Criteria: ACMG Guidelines, 2015. Collection method: clinical testing. Allele origin: germline. Not counted in ClinVar's aggregate classification.

Department of Ophthalmology and Visual Sciences Kyoto University
Classification: Likely benign. Review status: no assertion criteria provided. Collection method: not provided. Allele origin: unknown. Not counted in ClinVar's aggregate classification.
ClinVar note: Converted during submission from probable-non-pathogenic to Likely benign.

Retina International
No classification provided. Review status: no classification provided. Collection method: not provided. Allele origin: unknown. Not counted in ClinVar's aggregate classification.

NM_000350.3(ABCA4):c.6764G>T (p.Ser2255Ile)

Gene: ABCA4 (ATP binding cassette subfamily A member 4; minus strand). Cytogenetic location: 1p22.1.
Variant type: single nucleotide variant.
Coding change: c.6764G>T on transcript NM_000350.3 (MANE Select); coding-DNA position 6764, G replaced by T.
Protein change: p.Ser2255Ile; replaces serine 2255 with isoleucine.
Molecular consequence: missense variant.
Genome position (GRCh38, 1-based): chr1:93,996,161, C>A on the plus strand (G>T on the coding strand, the complement: ABCA4 is on the minus strand). VCF-style: chr1-93996161-C-A. GRCh37 (hg19) VCF-style: chr1-94461717-C-A.
Other names: p.S2255I:AGT>ATT; NM_000350.3(ABCA4):c.6764G>T; c.6542G>T, p.Ser2181Ile (NM_001425324.1); short protein forms S2255I, S2181I.
Identifiers: ClinVar variation 99494 (VCV000099494.36), dbSNP rs6666652, ClinGen allele CA202970.